The following is an entry in ClinVar:

NM_001134831.2(AHI1):c.1281T>C (p.Asn427=)

Gene: AHI1 (Abelson helper integration site 1; minus strand). Cytogenetic location: 6q23.3.
Variant type: single nucleotide variant.
Coding change: c.1281T>C on transcript NM_001134831.2 (MANE Select); coding-DNA position 1281, T replaced by C.
Protein change: p.Asn427=; no amino-acid change (asparagine 427 retained).
Molecular consequence: synonymous variant.
Genome position (GRCh38, 1-based): chr6:135,455,797, A>G on the plus strand (T>C on the coding strand, the complement: AHI1 is on the minus strand). VCF-style: chr6-135455797-A-G. GRCh37 (hg19) VCF-style: chr6-135776935-A-G.
Other names: c.1281T>C, p.Asn427= (NM_001134830.2, NM_001134832.2, NM_001350503.2 and 2 more transcripts); c.1281T>C (NM_017651.4).
Identifiers: ClinVar variation 1592385 (VCV001592385.10), dbSNP rs759903519, ClinGen allele CA4012628.
Genomic context (GRCh38, chr6:135,455,797, plus strand): 5'-AAAGAACAGGATGACTTTAGGACTCTCATCAGAGCCTCGAAGCAAATAGGGAAAATTTTC[A>G]TTAAATACAATTTGTTCTTCCCACTCTGGAAGTCTTGATTTTAACTGTTTAAAATCATAT-3'
Protein context (NP_001128303.1, residues 417-437): LPEWEEQIVF[Asn427=]ENFPYLLRGS

ClinVar aggregate classification (germline): Conflicting classifications of pathogenicity. Review status: criteria provided, conflicting classifications (1 of 4 stars). 3 submissions from 3 submitters: Uncertain significance (1); Likely benign (2). Last evaluated 2025-06-17.

Conditions:
AHI1-related disorder. Also called: AHI1-related condition.
Joubert syndrome. Also called: Familial aplasia of the vermis; JOUBERT-BOLTSHAUSER SYNDROME. Identifiers: Orphanet 475, MedGen C5979921, MONDO:0018772.

Allele frequency attached by ClinVar (database versions not stated): gnomAD exomes 0.00002; TOPMed 0.00002; ExAC 0.00003; gnomAD 0.00003 and 0.00004.
gnomAD v4.1: 36 of 1,601,888 alleles (0.0022%); highest among the groups gnomAD compares: Non-Finnish European, 0.0029%; no homozygotes.

Submissions (3):

Labcorp Genetics (formerly Invitae), Labcorp
Classification: Likely benign for Joubert syndrome. Last evaluated: 2025-06-17. Review status: criteria provided, single submitter. Criteria: Invitae Variant Classification Sherloc (09022015). Collection method: clinical testing. Allele origin: germline.

PreventionGenetics, part of Exact Sciences
Classification: Likely benign for AHI1-related condition. Last evaluated: 2025-04-14. Review status: criteria provided, single submitter. Criteria: ACMG Guidelines, 2015. Collection method: clinical testing. Allele origin: germline.
Comment: This variant is classified as likely benign based on ACMG/AMP sequence variant interpretation guidelines (Richards et al. 2015 PMID: 25741868, with internal and published modifications).

Blueprint Genetics
Classification: Uncertain significance. Last evaluated: 2022-01-26. Review status: criteria provided, single submitter. Criteria: ACMG Guidelines, 2015. Collection method: clinical testing. Allele origin: germline.